The following is an entry in ClinVar:

ClinVar aggregate classification (germline): Likely benign. Review status: criteria provided, multiple submitters, no conflicts (2 of 4 stars). 4 submissions from 4 submitters: Likely benign (3). 1 of the submissions does not count toward it. Last evaluated 2026-06-01.

Conditions:
Familial cold autoinflammatory syndrome 3 (FCAS3). Also called: FAMILIAL ATYPICAL COLD URTICARIA; ANTIBODY DEFICIENCY AND IMMUNE DYSREGULATION, PLCG2-ASSOCIATED. Identifiers: Orphanet 300359, MedGen C3280914, MONDO:0013766, OMIM 614468.
PLCG2-related disorder. Also called: PLCG2-related condition.

Allele frequency attached by ClinVar (database versions not stated): gnomAD exomes 0.00011 and 0.00043; ExAC 0.00017; 1000 Genomes Project 0.00060; 1000 Genomes Project 30x 0.00062; TOPMed 0.00080; gnomAD 0.00085 and 0.00086.
gnomAD v4.1: 290 of 1,613,950 alleles (0.018%); highest among the groups gnomAD compares: Admixed American, 0.47%; 1 homozygote.

Submissions (4):

CeGaT Center for Human Genetics Tuebingen
Classification: Likely benign. Last evaluated: 2026-06-01. Review status: criteria provided, single submitter. Criteria: CeGaT Center For Human Genetics Tuebingen Variant Classification Criteria Version 2. Collection method: clinical testing. Allele origin: germline. Affected: yes. Observed: 1 variant allele.
Comment: PLCG2: BS1

Labcorp Genetics (formerly Invitae), Labcorp
Classification: Likely benign for Familial cold autoinflammatory syndrome 3. Last evaluated: 2026-01-18. Review status: criteria provided, single submitter. Criteria: Invitae Variant Classification Sherloc (09022015). Collection method: clinical testing. Allele origin: germline.

Breakthrough Genomics
Classification: Likely benign. Review status: criteria provided, single submitter. Criteria: ACMG Guidelines, 2015. Collection method: not provided. Allele origin: germline. Inheritance: Autosomal dominant inheritance. Affected: yes.

PreventionGenetics, part of Exact Sciences
Classification: Likely benign for PLCG2-related condition. Last evaluated: 2021-09-10. Review status: no assertion criteria provided. Collection method: clinical testing. Allele origin: germline. Not counted in ClinVar's aggregate classification.
Comment: This variant is classified as likely benign based on ACMG/AMP sequence variant interpretation guidelines (Richards et al. 2015 PMID: 25741868, with internal and published modifications).

NM_002661.5(PLCG2):c.1449G>A (p.Met483Ile)

Gene: PLCG2 (phospholipase C gamma 2; plus strand). Cytogenetic location: 16q23.3.
Variant type: single nucleotide variant.
Coding change: c.1449G>A on transcript NM_002661.5 (MANE Select); coding-DNA position 1449, G replaced by A.
Protein change: p.Met483Ile; replaces methionine 483 with isoleucine.
Molecular consequence: missense variant.
Genome position (GRCh38, 1-based): chr16:81,905,489, G>A. VCF-style: chr16-81905489-G-A. GRCh37 (hg19) VCF-style: chr16-81939094-G-A.
Other names: short protein forms M483I.
Identifiers: ClinVar variation 718867 (VCV000718867.16), dbSNP rs201746780, ClinGen allele CA8193759.
Genomic context (GRCh38, chr16:81,905,489, plus strand): 5'-TGTGGATGTCAACATGGAGGACAAGAAGGACGAACACAAGCAACAGGGGGAGCTGTACAT[G>A]TGGGATTCCATTGACCAGGTGGGCCTTGGTCCCTTCCCGTAGCCACTGCGGCCACGCCCC-3'
Protein context (NP_002652.2, residues 473-493): DEHKQQGELY[Met483Ile]WDSIDQKWTR